The following is an entry in ClinVar:

ClinVar aggregate classification (germline): Uncertain significance (1 of 4 stars; one submission).

Conditions:
2-aminoadipic 2-oxoadipic aciduria (AAKAD). Also called: Aminoadipic aciduria; ALPHA-AMINOADIPIC AND ALPHA-KETOADIPIC ACIDURIA. Identifiers: Orphanet 79154, MedGen C1859817, MONDO:0008774, OMIM 204750.

Allele frequency attached by ClinVar (database versions not stated): TOPMed below 0.00001.
gnomAD v4.1: 3 of 1,609,510 alleles (0.00019%); highest among the groups gnomAD compares: African/African-American, 0.0013%; no homozygotes.

Submission:

Labcorp Genetics (formerly Invitae), Labcorp
Classification: Uncertain significance for 2-aminoadipic 2-oxoadipic aciduria. Last evaluated: 2022-07-15. Review status: criteria provided, single submitter. Criteria: Invitae Variant Classification Sherloc (09022015). Collection method: clinical testing. Allele origin: germline.
Comment: In summary, the available evidence is currently insufficient to determine the role of this variant in disease. Therefore, it has been classified as a Variant of Uncertain Significance. Algorithms developed to predict the effect of missense changes on protein structure and function (SIFT, PolyPhen-2, Align-GVGD) all suggest that this variant is likely to be tolerated. This variant has not been reported in the literature in individuals affected with DHTKD1-related conditions. This variant is present in population databases (no rsID available, gnomAD 0.01%). This sequence change replaces glutamic acid, which is acidic and polar, with aspartic acid, which is acidic and polar, at codon 725 of the DHTKD1 protein (p.Glu725Asp).

NM_018706.7(DHTKD1):c.2175G>C (p.Glu725Asp)

Gene: DHTKD1 (dehydrogenase E1 and transketolase domain containing 1; plus strand). Cytogenetic location: 10p14.
Variant type: single nucleotide variant.
Coding change: c.2175G>C on transcript NM_018706.7 (MANE Select); coding-DNA position 2175, G replaced by C.
Protein change: p.Glu725Asp; replaces glutamic acid 725 with aspartic acid.
Molecular consequence: missense variant.
Genome position (GRCh38, 1-based): chr10:12,112,920, G>C. VCF-style: chr10-12112920-G-C. GRCh37 (hg19) VCF-style: chr10-12154919-G-C.
Other names: short protein forms E725D.
Identifiers: ClinVar variation 2016393 (VCV002016393.4), dbSNP rs775438065, ClinGen allele CA376013383.